The following is an entry in ClinVar:

ClinVar aggregate classification (germline): Likely benign (1 of 4 stars; one submission).

Submission:

CeGaT Center for Human Genetics Tuebingen
Classification: Likely benign. Last evaluated: 2025-09-01. Review status: criteria provided, single submitter. Criteria: CeGaT Center For Human Genetics Tuebingen Variant Classification Criteria Version 2. Collection method: clinical testing. Allele origin: germline. Affected: yes. Observed: 1 variant allele.
Comment: COQ8A: PM2:Supporting, BP4, BP7

NM_020247.5(COQ8A):c.246A>G (p.Ser82=)

Gene: COQ8A (coenzyme Q8A; plus strand). Cytogenetic location: 1q42.13.
Variant type: single nucleotide variant.
Coding change: c.246A>G on transcript NM_020247.5 (MANE Select); coding-DNA position 246, A replaced by G.
Protein change: p.Ser82=; no amino-acid change (serine 82 retained).
Molecular consequence: synonymous variant.
Genome position (GRCh38, 1-based): chr1:226,965,068, A>G. VCF-style: chr1-226965068-A-G. GRCh37 (hg19) VCF-style: chr1-227152769-A-G.
Identifiers: ClinVar variation 4281361 (VCV004281361.7).
Genomic context (GRCh38, chr1:226,965,068, plus strand): 5'-TAAACATGAAGAATATTTTGCTGAGAACTTCGGCGGCCCAGAAGGGGAGTTCCACTTCTC[A>G]GTCCCGCATGCAGCCGGAGCCTCCACAGACTTCTCTTCAGCCTCCGCTCCCGACCAGTCA-3'
Protein context (NP_064632.2, residues 72-92): FGGPEGEFHF[Ser82=]VPHAAGASTD